The following is an entry in ClinVar:

ClinVar aggregate classification (germline): Conflicting classifications of pathogenicity. Review status: criteria provided, conflicting classifications (1 of 4 stars). 6 submissions from 6 submitters: Uncertain significance (1); Likely benign (4). 1 of the submissions does not count toward it. Last evaluated 2026-02-03.

Conditions:
NTHL1-related disorder. Also called: NTHL1-related conditions; NTHL1-related condition.
Familial adenomatous polyposis 3. Also called: NTHL1 Tumor Syndrome; NTHL1-associated polyposis; NTHL1-related attenuated familial adenomatous polyposis; NTHL1-Related Adenomatous Polyposis and Colorectal Cancer. Identifiers: Orphanet 220460, Orphanet 454840, MedGen C4225157, MONDO:0014630, OMIM 616415.

Allele frequency attached by ClinVar (database versions not stated): TOPMed 0.00008; gnomAD 0.00019; 1000 Genomes Project 30x 0.00031; 1000 Genomes Project 0.00040.
gnomAD v4.1: 46 of 1,613,296 alleles (0.0029%); highest among the groups gnomAD compares: East Asian, 0.087%; no homozygotes.

Submissions (6):

Labcorp Genetics (formerly Invitae), Labcorp
Classification: Likely benign. Last evaluated: 2026-02-03. Review status: criteria provided, single submitter. Criteria: Invitae Variant Classification Sherloc (09022015). Collection method: clinical testing. Allele origin: germline.

Quest Diagnostics Nichols Institute San Juan Capistrano
Classification: Likely benign. Last evaluated: 2025-07-18. Review status: criteria provided, single submitter. Criteria: Quest Diagnostics criteria. Collection method: clinical testing. Allele origin: unknown.

Center for Genomic Medicine, Rigshospitalet, Copenhagen University Hospital
Classification: Likely benign. Last evaluated: 2025-03-04. Review status: criteria provided, single submitter. Criteria: ACMG Guidelines, 2015. Collection method: clinical testing. Allele origin: germline.

Fulgent Genetics
Classification: Likely benign for Familial adenomatous polyposis 3. Last evaluated: 2024-02-24. Review status: criteria provided, single submitter. Criteria: ACMG Guidelines, 2015. Collection method: clinical testing. Allele origin: germline.

Department of Pathology and Laboratory Medicine, Sinai Health System
Classification: Uncertain significance for Familial adenomatous polyposis 3. Last evaluated: 2022-09-09. Review status: criteria provided, single submitter. Criteria: ACMG Guidelines, 2015. Collection method: clinical testing. Allele origin: germline. Affected: yes.

PreventionGenetics, part of Exact Sciences
Classification: Likely benign for NTHL1-related condition. Last evaluated: 2023-01-26. Review status: no assertion criteria provided. Collection method: clinical testing. Allele origin: germline. Not counted in ClinVar's aggregate classification.
Comment: This variant is classified as likely benign based on ACMG/AMP sequence variant interpretation guidelines (Richards et al. 2015 PMID: 25741868, with internal and published modifications).

Literature cited by the submitters: PubMed 32091409 (cited by Quest Diagnostics Nichols Institute San Juan Capistrano).

NM_002528.7(NTHL1):c.791+10T>G

Gene: NTHL1 (nth like DNA glycosylase 1; minus strand). Cytogenetic location: 16p13.3.
Variant type: single nucleotide variant.
Coding change: c.791+10T>G on transcript NM_002528.7 (MANE Select); 10 bases into the intron after coding-DNA position 791, T replaced by G.
Molecular consequence: intron variant.
Genome position (GRCh38, 1-based): chr16:2,040,123, A>C on the plus strand (T>G on the coding strand, the complement: NTHL1 is on the minus strand). VCF-style: chr16-2040123-A-C. GRCh37 (hg19) VCF-style: chr16-2090124-A-C.
Other names: c.461+10T>G (NM_001318194.2); c.620+10T>G (NM_001318193.2).
Identifiers: ClinVar variation 757916 (VCV000757916.22), dbSNP rs564181825, ClinGen allele CA7828113.